The following is an entry in ClinVar:

NM_012469.4(PRPF6):c.439-19G>A

Gene: PRPF6 (pre-mRNA processing factor 6; plus strand). Cytogenetic location: 20q13.33.
Variant type: single nucleotide variant.
Coding change: c.439-19G>A on transcript NM_012469.4 (MANE Select); 19 bases into the intron before coding-DNA position 439, G replaced by A.
Molecular consequence: intron variant.
Genome position (GRCh38, 1-based): chr20:63,994,897, G>A. VCF-style: chr20-63994897-G-A. GRCh37 (hg19) VCF-style: chr20-62626250-G-A.
Identifiers: ClinVar variation 2039023 (VCV002039023.5), dbSNP rs771921120, ClinGen allele CA2375101845.

ClinVar aggregate classification (germline): Uncertain significance. Review status: criteria provided, multiple submitters, no conflicts (2 of 4 stars). 2 submissions from 2 submitters: Uncertain significance (2). Last evaluated 2025-07-16.

Allele frequency attached by ClinVar (database versions not stated): TOPMed below 0.00001.
gnomAD v4.1: 21 of 1,614,112 alleles (0.0013%); highest among the groups gnomAD compares: Non-Finnish European, 0.0016%; no homozygotes.

Submissions (2):

Labcorp Genetics (formerly Invitae), Labcorp
Classification: Uncertain significance. Last evaluated: 2025-07-16. Review status: criteria provided, single submitter. Criteria: Invitae Variant Classification Sherloc (09022015). Collection method: clinical testing. Allele origin: germline.
Comment: This sequence change falls in intron 4 of the PRPF6 gene. It does not directly change the encoded amino acid sequence of the PRPF6 protein. This variant is not present in population databases (gnomAD no frequency). This variant has not been reported in the literature in individuals affected with PRPF6-related conditions. ClinVar contains an entry for this variant (Variation ID: 2039023). Algorithms developed to predict the effect of sequence changes on RNA splicing suggest that this variant may disrupt the consensus splice site. In summary, the available evidence is currently insufficient to determine the role of this variant in disease. Therefore, it has been classified as a Variant of Uncertain Significance.

Blueprint Genetics
Classification: Uncertain significance. Last evaluated: 2020-08-26. Review status: criteria provided, single submitter. Criteria: ACMG Guidelines, 2015. Collection method: clinical testing. Allele origin: germline.